The following is an entry in ClinVar:

ClinVar aggregate classification (germline): Uncertain significance. Review status: criteria provided, multiple submitters, no conflicts (2 of 4 stars). 3 submissions from 3 submitters: Uncertain significance (3). Last evaluated 2025-02-26.

Conditions:
Hereditary nonpolyposis colorectal neoplasms. Identifiers: MedGen C0009405, MeSH D003123.
Hereditary cancer-predisposing syndrome. Also called: Neoplastic Syndromes, Hereditary; Hereditary neoplastic syndrome; Tumor predisposition; Hereditary Cancer Syndrome. Identifiers: Orphanet 140162, MedGen C0027672, MeSH D009386, MONDO:0015356.

Submissions (3):

Labcorp Genetics (formerly Invitae), Labcorp
Classification: Uncertain significance for Hereditary nonpolyposis colorectal neoplasms. Last evaluated: 2025-02-26. Review status: criteria provided, single submitter. Criteria: Invitae Variant Classification Sherloc (09022015). Collection method: clinical testing. Allele origin: germline.
Comment: This sequence change replaces glutamine, which is neutral and polar, with histidine, which is basic and polar, at codon 949 of the MSH6 protein (p.Gln949His). This variant is not present in population databases (gnomAD no frequency). This variant has not been reported in the literature in individuals affected with MSH6-related conditions. ClinVar contains an entry for this variant (Variation ID: 2490697). Invitae Evidence Modeling of protein sequence and biophysical properties (such as structural, functional, and spatial information, amino acid conservation, physicochemical variation, residue mobility, and thermodynamic stability) indicates that this missense variant is not expected to disrupt MSH6 protein function with a negative predictive value of 95%. In summary, the available evidence is currently insufficient to determine the role of this variant in disease. Therefore, it has been classified as a Variant of Uncertain Significance.

Quest Diagnostics Nichols Institute San Juan Capistrano
Classification: Uncertain significance. Last evaluated: 2024-11-13. Review status: criteria provided, single submitter. Criteria: Quest Diagnostics criteria. Collection method: clinical testing. Allele origin: unknown.
Comment: The MSH6 c.2847G>C (p.Gln949His) variant has not been reported in individuals with MSH6-related conditions in the published literature. It also has not been reported in large, multi-ethnic general populations (Genome Aggregation Database). Analysis of this variant using bioinformatics tools for the prediction of the effect of amino acid changes on protein structure and function yielded predictions that this variant is benign. Based on the available information, we are unable to determine the clinical significance of this variant.

Ambry Genetics
Classification: Uncertain significance for Hereditary cancer-predisposing syndrome. Last evaluated: 2023-01-17. Review status: criteria provided, single submitter. Criteria: Ambry Variant Classification Scheme 2023. Collection method: clinical testing. Allele origin: germline.
Comment: The p.Q949H variant (also known as c.2847G>C), located in coding exon 4 of the MSH6 gene, results from a G to C substitution at nucleotide position 2847. The glutamine at codon 949 is replaced by histidine, an amino acid with highly similar properties. This amino acid position is highly conserved through mammals but not in all available vertebrate species. In addition, the in silico prediction for this alteration is inconclusive. Since supporting evidence is limited at this time, the clinical significance of this alteration remains unclear.

NM_000179.3(MSH6):c.2847G>C (p.Gln949His)

Gene: MSH6 (mutS homolog 6; plus strand). Cytogenetic location: 2p16.3.
Variant type: single nucleotide variant.
Coding change: c.2847G>C on transcript NM_000179.3 (MANE Select); coding-DNA position 2847, G replaced by C.
Protein change: p.Gln949His; replaces glutamine 949 with histidine.
Molecular consequence: missense variant. On other transcripts: non-coding transcript variant (5), intron variant (2).
Genome position (GRCh38, 1-based): chr2:47,800,830, G>C. VCF-style: chr2-47800830-G-C. GRCh37 (hg19) VCF-style: chr2-48027969-G-C.
Other names: c.2769G>C, p.Gln923His (NM_001406804.1); c.2550G>C, p.Gln850His (NM_001406805.1, NM_001406828.1, NM_001406830.1 and 10 more transcripts); c.2322G>C, p.Gln774His (NM_001406806.1, NM_001406807.1, NM_001406799.1); c.2847G>C, p.Gln949His (NM_001406808.1, NM_001406809.1, NM_001406796.1 and 2 more transcripts); c.1941G>C, p.Gln647His (NM_001406829.1, NM_001406812.1, NM_001406814.1 and 6 more transcripts); c.792G>C, p.Gln264His (NM_001407362.1); c.2853G>C, p.Gln951His (NM_001406813.1); c.2679G>C, p.Gln893His (NM_001406826.1); and 4 more; short protein forms Q949H, Q264H, Q923H, Q951H, Q647H, Q774H, Q850H, Q893H.
Identifiers: ClinVar variation 2490697 (VCV002490697.6), dbSNP rs1161502314, ClinGen allele CA346755843.
Genomic context (GRCh38, chr2:47,800,830, plus strand): 5'-CAAAGCAGGCTTTGACTCTGATTATGACCAAGCTCTTGCTGACATAAGAGAAAATGAACA[G>C]AGCCTCCTGGAATACCTAGAGAAACAGCGCAACAGAATTGGCTGTAGGACCATAGTCTAT-3'
Protein context (NP_000170.1, residues 939-959): QALADIRENE[Gln949His]SLLEYLEKQR